The following is an entry in ClinVar:

NM_032444.4(SLX4):c.97G>T (p.Asp33Tyr)

Gene: SLX4 (SLX4 structure-specific endonuclease subunit; minus strand). Cytogenetic location: 16p13.3.
Variant type: single nucleotide variant.
Coding change: c.97G>T on transcript NM_032444.4 (MANE Select); coding-DNA position 97, G replaced by T.
Protein change: p.Asp33Tyr; replaces aspartic acid 33 with tyrosine.
Molecular consequence: missense variant.
Genome position (GRCh38, 1-based): chr16:3,608,868, C>A on the plus strand (G>T on the coding strand, the complement: SLX4 is on the minus strand). VCF-style: chr16-3608868-C-A. GRCh37 (hg19) VCF-style: chr16-3658869-C-A.
Other names: c.97G>T (LRG_503t1); short protein forms D33Y.
Identifiers: ClinVar variation 456342 (VCV000456342.8), dbSNP rs780117582, ClinGen allele CA394547970.

ClinVar aggregate classification (germline): Uncertain significance (1 of 4 stars; one submission).

Conditions:
Fanconi anemia (FA). Also called: Fanconi's anemia. Identifiers: Orphanet 84, MedGen C0015625, MeSH D005199, MONDO:0019391.

Allele frequency attached by ClinVar (database versions not stated): gnomAD 0.00003.

Submission:

Labcorp Genetics (formerly Invitae), Labcorp
Classification: Uncertain significance for Fanconi anemia. Last evaluated: 2022-01-27. Review status: criteria provided, single submitter. Criteria: Invitae Variant Classification Sherloc (09022015). Collection method: clinical testing. Allele origin: germline.
Comment: In summary, the available evidence is currently insufficient to determine the role of this variant in disease. Therefore, it has been classified as a Variant of Uncertain Significance. Algorithms developed to predict the effect of missense changes on protein structure and function output the following: SIFT: "Deleterious"; PolyPhen-2: "Benign"; Align-GVGD: "Class C0". The tyrosine amino acid residue is found in multiple mammalian species, which suggests that this missense change does not adversely affect protein function. ClinVar contains an entry for this variant (Variation ID: 456342). This variant has not been reported in the literature in individuals affected with SLX4-related conditions. This variant is present in population databases (no rsID available, gnomAD 0.01%). This sequence change replaces aspartic acid, which is acidic and polar, with tyrosine, which is neutral and polar, at codon 33 of the SLX4 protein (p.Asp33Tyr).